The following is an entry in ClinVar:

NM_001367624.2(ZNF469):c.7229C>G (p.Ala2410Gly)

Gene: ZNF469 (zinc finger protein 469; plus strand). Cytogenetic location: 16q24.2.
Variant type: single nucleotide variant.
Coding change: c.7229C>G on transcript NM_001367624.2 (MANE Select); coding-DNA position 7229, C replaced by G.
Protein change: p.Ala2410Gly; replaces alanine 2410 with glycine.
Molecular consequence: missense variant.
Genome position (GRCh38, 1-based): chr16:88,434,699, C>G. VCF-style: chr16-88434699-C-G. GRCh37 (hg19) VCF-style: chr16-88501107-C-G.
Other names: NM_001127464.1:c.7145C>G; short protein forms A2410G.
Identifiers: ClinVar variation 1433308 (VCV001433308.5), dbSNP rs1011558573, ClinGen allele CA286382489.
Genomic context (GRCh38, chr16:88,434,699, plus strand): 5'-CTACCAAGATGCCCAGGGTCACCTGCCCTTCCACAGGACTGGGCTTGGGAAGAACCACAG[C>G]CCCAAGCAGCACAGCCAGTGACTTCCAGTCTGACTCCCCCCAAAGCCACAGAAATGCCTC-3'
Protein context (NP_001354553.1, residues 2400-2420): STGLGLGRTT[Ala2410Gly]PSSTASDFQS

ClinVar aggregate classification (germline): Conflicting classifications of pathogenicity. Review status: criteria provided, conflicting classifications (1 of 4 stars). 3 submissions from 3 submitters: Uncertain significance (2); Likely benign (1). Last evaluated 2026-03-25.

Conditions:
Cardiovascular phenotype. Identifiers: MedGen CN230736.

Allele frequency attached by ClinVar (database versions not stated): gnomAD exomes 0.00005 and 0.00001; 1000 Genomes Project 30x 0.00047; gnomAD 0.00001 and 0.00004; TOPMed 0.00004.
gnomAD v4.1: 26 of 1,550,394 alleles (0.0017%); highest among the groups gnomAD compares: East Asian, 0.061%; no homozygotes.

Submissions (3):

Women's Health and Genetics/Laboratory Corporation of America, LabCorp
Classification: Uncertain significance. Last evaluated: 2026-03-25. Review status: criteria provided, single submitter. Criteria: LabCorp Variant Classification Summary - May 2015. Collection method: clinical testing. Allele origin: germline.
Comment: Variant summary: ZNF469 c.7229C>G (p.Ala2410Gly) results in a non-conservative amino acid change in the encoded protein sequence. Algorithms developed to predict the effect of missense changes on protein structure and function are either unavailable or do not agree on the potential impact of this missense change. The variant allele was found at a frequency of 4.6e-05 in 153764 control chromosomes. The available data on variant occurrences in the general population are insufficient to allow any conclusion about variant significance. To our knowledge, no occurrence of c.7229C>G in individuals affected with ZNF469-related conditions and no experimental evidence demonstrating its impact on protein function have been reported. ClinVar contains an entry for this variant (Variation ID: 1433308). Based on the evidence outlined above, the variant was classified as uncertain significance.

Ambry Genetics
Classification: Likely benign for Cardiovascular phenotype. Last evaluated: 2023-03-26. Review status: criteria provided, single submitter. Criteria: Ambry Variant Classification Scheme 2023. Collection method: clinical testing. Allele origin: germline.

Labcorp Genetics (formerly Invitae), Labcorp
Classification: Uncertain significance. Last evaluated: 2021-12-11. Review status: criteria provided, single submitter. Criteria: Invitae Variant Classification Sherloc (09022015). Collection method: clinical testing. Allele origin: germline.
Comment: This sequence change replaces alanine, which is neutral and non-polar, with glycine, which is neutral and non-polar, at codon 2382 of the ZNF469 protein (p.Ala2382Gly). This variant is present in population databases (no rsID available, gnomAD 0.07%). This variant has not been reported in the literature in individuals affected with ZNF469-related conditions. Algorithms developed to predict the effect of missense changes on protein structure and function (SIFT, PolyPhen-2, Align-GVGD) all suggest that this variant is likely to be tolerated. In summary, the available evidence is currently insufficient to determine the role of this variant in disease. Therefore, it has been classified as a Variant of Uncertain Significance.